The following is an entry in ClinVar:

ClinVar aggregate classification (germline): Uncertain significance (1 of 4 stars; one submission).

Submission:

GeneDx
Classification: Uncertain significance. Last evaluated: 2021-05-14. Review status: criteria provided, single submitter. Criteria: GeneDx Variant Classification Process June 2021. Collection method: clinical testing. Allele origin: germline. Affected: yes.
Comment: Frameshift variant predicted to result in protein truncation or nonsense mediated decay in a gene for which loss-of-function is not a known mechanism of disease; Not observed in large population cohorts (Lek et al., 2016); Has not been previously published as pathogenic or benign to our knowledge

NM_001135146.2(SLC39A8):c.310_320del (p.Val104fs)

Gene: SLC39A8 (solute carrier family 39 member 8; minus strand). Cytogenetic location: 4q24.
Variant type: Deletion.
Coding change: c.310_320del on transcript NM_001135146.2 (MANE Select); coding-DNA positions 310 to 320, 11 bases deleted (GTCTTACAGCA).
Protein change: p.Val104fs; shifts the reading frame from valine 104.
Molecular consequence: frameshift variant.
Genome position (GRCh38, 1-based): chr4:102,315,730-102,315,740, TGCTGTAAGAC deleted on the plus strand (GTCTTACAGCA on the coding strand, the reverse complement: SLC39A8 is on the minus strand); deleting any 11 consecutive bases within chr4:102,315,730-102,315,745 gives the same sequence; the c. name uses the placement nearest the transcript's 3' end. VCF-style (leftmost placement, unchanged base first): chr4-102315729-TTGCTGTAAGAC-T. GRCh37 (hg19) VCF-style: chr4-103236886-TTGCTGTAAGAC-T.
Other names: c.310_320delGTCTTACAGCA (NM_022154.5); c.310_320del, p.Val104fs (NM_001135147.1, NM_022154.5); c.109_119del, p.Val37fs (NM_001135148.2); short protein forms V104fs, V37fs.
Identifiers: ClinVar variation 546327 (VCV000546327.3), dbSNP rs1195628424, ClinGen allele CA658822866.